The following is an entry in ClinVar:

NM_025114.4(CEP290):c.345T>A (p.Asn115Lys)

Gene: CEP290 (centrosomal protein 290; minus strand). Cytogenetic location: 12q21.32.
Variant type: single nucleotide variant.
Coding change: c.345T>A on transcript NM_025114.4 (MANE Select); coding-DNA position 345, T replaced by A.
Protein change: p.Asn115Lys; replaces asparagine 115 with lysine.
Molecular consequence: missense variant.
Genome position (GRCh38, 1-based): chr12:88,136,739, A>T on the plus strand (T>A on the coding strand, the complement: CEP290 is on the minus strand). VCF-style: chr12-88136739-A-T. GRCh37 (hg19) VCF-style: chr12-88530516-A-T.
Other names: c.345T>A (NM_025114.3); short protein forms N115K.
Identifiers: ClinVar variation 1714703 (VCV001714703.7), dbSNP rs2501711671, ClinGen allele CA385987618.
Genomic context (GRCh38, chr12:88,136,739, plus strand): 5'-TTCCATGTCCTCCAATTCTCTATCTTTTTGTTCTAATTGTTTTTCAAGTTGGCAAATTTC[A>T]TTACGTAAAAACCGAGTATCTCGTCCACCTGCAGACTGCTGAGCCATCTTAAAGTAATAA-3'
Protein context (NP_079390.3, residues 105-125): AGGRDTRFLR[Asn115Lys]EICQLEKQLE

ClinVar aggregate classification (germline): Uncertain significance. Review status: criteria provided, single submitter (1 of 4 stars). 2 submissions from 2 submitters: Uncertain significance (1). 1 of the submissions does not count toward it. Last evaluated 2025-01-13.

Conditions:
Nephronophthisis. Also called: Juvenile Nephronophthisis. Identifiers: Orphanet 655, MedGen C0687120, MONDO:0019005, HP:0000090.
Meckel-Gruber syndrome. Also called: DYSENCEPHALIA SPLANCHNOCYSTICA; GRUBER SYNDROME; Dysencephalia splachnocystica. Identifiers: Orphanet 564, MedGen C0265215, MONDO:0018921.
Joubert syndrome. Also called: CEREBELLOPARENCHYMAL DISORDER IV; JOUBERT-BOLTSHAUSER SYNDROME; Familial aplasia of the vermis. Identifiers: Orphanet 475, MedGen C5979921, MONDO:0018772.
Leber congenital amaurosis (LCA). Also called: Leber's amaurosis. Identifiers: Orphanet 65, MedGen C0339527, MeSH D057130, MONDO:0018998.

Submissions (2):

Labcorp Genetics (formerly Invitae), Labcorp
Classification: Uncertain significance for Joubert syndrome; Meckel-Gruber syndrome; Nephronophthisis. Last evaluated: 2025-01-13. Review status: criteria provided, single submitter. Criteria: Invitae Variant Classification Sherloc (09022015). Collection method: clinical testing. Allele origin: germline.
Comment: This sequence change replaces asparagine, which is neutral and polar, with lysine, which is basic and polar, at codon 115 of the CEP290 protein (p.Asn115Lys). This variant is not present in population databases (gnomAD no frequency). This variant has not been reported in the literature in individuals affected with CEP290-related conditions. ClinVar contains an entry for this variant (Variation ID: 1714703). Invitae Evidence Modeling of protein sequence and biophysical properties (such as structural, functional, and spatial information, amino acid conservation, physicochemical variation, residue mobility, and thermodynamic stability) indicates that this missense variant is not expected to disrupt CEP290 protein function with a negative predictive value of 80%. In summary, the available evidence is currently insufficient to determine the role of this variant in disease. Therefore, it has been classified as a Variant of Uncertain Significance.

Natera, Inc.
Classification: Uncertain significance for Leber congenital amaurosis. Last evaluated: 2025-03-28. Review status: no assertion criteria provided. Collection method: clinical testing. Allele origin: germline. Not counted in ClinVar's aggregate classification.